The following is an entry in ClinVar:

NM_001384474.1(LOXHD1):c.4662C>T (p.Asp1554=)

Gene: LOXHD1 (lipoxygenase homology PLAT domains 1; minus strand). Cytogenetic location: 18q21.1.
Variant type: single nucleotide variant.
Coding change: c.4662C>T on transcript NM_001384474.1 (MANE Select); coding-DNA position 4662, C replaced by T.
Protein change: p.Asp1554=; no amino-acid change (aspartic acid 1554 retained).
Molecular consequence: synonymous variant.
Genome position (GRCh38, 1-based): chr18:46,524,786, G>A on the plus strand (C>T on the coding strand, the complement: LOXHD1 is on the minus strand). VCF-style: chr18-46524786-G-A. GRCh37 (hg19) VCF-style: chr18-44104749-G-A.
Other names: c.1329C>T, p.Asp443= (NM_001145472.3); c.1041C>T, p.Asp347= (NM_001308013.2); c.4662C>T, p.Asp1554= (NM_144612.7).
Identifiers: ClinVar variation 1084840 (VCV001084840.29), dbSNP rs771306615, ClinGen allele CA8952315.

ClinVar aggregate classification (germline): Likely benign. Review status: criteria provided, multiple submitters, no conflicts (2 of 4 stars). 2 submissions from 2 submitters: Likely benign (2). Last evaluated 2024-04-01.

Allele frequency attached by ClinVar (database versions not stated): gnomAD exomes 0.00003; TOPMed 0.00004; gnomAD 0.00006.
gnomAD v4.1: 56 of 1,551,506 alleles (0.0036%); highest among the groups gnomAD compares: Middle Eastern, 0.017%; no homozygotes.

Submissions (2):

CeGaT Center for Human Genetics Tuebingen
Classification: Likely benign. Last evaluated: 2024-04-01. Review status: criteria provided, single submitter. Criteria: CeGaT Center For Human Genetics Tuebingen Variant Classification Criteria Version 2. Collection method: clinical testing. Allele origin: germline. Affected: yes. Observed: 1 variant allele.
Comment: LOXHD1: BP4, BP7

Labcorp Genetics (formerly Invitae), Labcorp
Classification: Likely benign. Last evaluated: 2024-02-29. Review status: criteria provided, single submitter. Criteria: Invitae Variant Classification Sherloc (09022015). Collection method: clinical testing. Allele origin: germline.